The following is an entry in ClinVar:

NM_001083614.2(EARS2):c.316C>G (p.Pro106Ala)

Gene: EARS2 (glutamyl-tRNA synthetase 2, mitochondrial; minus strand). Cytogenetic location: 16p12.2.
Variant type: single nucleotide variant.
Coding change: c.316C>G on transcript NM_001083614.2 (MANE Select); coding-DNA position 316, C replaced by G.
Protein change: p.Pro106Ala; replaces proline 106 with alanine.
Molecular consequence: missense variant. On other transcripts: non-coding transcript variant (1).
Genome position (GRCh38, 1-based): chr16:23,544,683, G>C on the plus strand (C>G on the coding strand, the complement: EARS2 is on the minus strand). VCF-style: chr16-23544683-G-C. GRCh37 (hg19) VCF-style: chr16-23556004-G-C.
Other names: c.316C>G, p.Pro106Ala (NM_001308211.1); short protein forms P106A.
Identifiers: ClinVar variation 4292028 (VCV004292028.1).

ClinVar aggregate classification (germline): Uncertain significance (1 of 4 stars; one submission).

Conditions:
Leukoencephalopathy-thalamus and brainstem anomalies-high lactate syndrome. Also called: LEUKOENCEPHALOPATHY WITH THALAMUS AND BRAINSTEM INVOLVEMENT AND HIGH LACTATE; Combined oxidative phosphorylation deficiency 12. Identifiers: Orphanet 314051, MedGen C4706421, MONDO:0013971, OMIM 614924.

Submission:

3billion
Classification: Uncertain significance for Leukoencephalopathy-thalamus and brainstem anomalies-high lactate syndrome. Last evaluated: 2024-06-19. Review status: criteria provided, single submitter. Criteria: ACMG Guidelines, 2015. Collection method: clinical testing. Allele origin: germline. Affected: yes.
Comment: The variant is not observed in the gnomAD v4.0.0 dataset. Predicted Consequence/Location: Missense variant Damaging effect on gene or gene product predicted by in silico programs is uncertain [REVEL: 0.34 (damaging >=0.6, benign <0.4), 3Cnet: 0.58 (damaging >=0.6, benign <0.15)]. Therefore, this variant is classified as VUS according to the recommendation of ACMG/AMP guideline.